The following is an entry in ClinVar:

ClinVar aggregate classification (germline): Uncertain significance (1 of 4 stars; one submission).

Conditions:
Bloom syndrome (BLM). Also called: Bloom-Torre-Machacek syndrome. Identifiers: Orphanet 125, MedGen C0005859, MONDO:0008876, OMIM 210900.

Submission:

Labcorp Genetics (formerly Invitae), Labcorp
Classification: Uncertain significance for Bloom syndrome. Last evaluated: 2021-04-04. Review status: criteria provided, single submitter. Criteria: Invitae Variant Classification Sherloc (09022015). Collection method: clinical testing. Allele origin: germline.
Comment: In summary, the available evidence is currently insufficient to determine the role of this variant in disease. Therefore, it has been classified as a Variant of Uncertain Significance. This sequence change replaces alanine with threonine at codon 831 of the BLM protein (p.Ala831Thr). The alanine residue is highly conserved and there is a small physicochemical difference between alanine and threonine. This variant is not present in population databases (ExAC no frequency). This variant has not been reported in the literature in individuals with BLM-related conditions. Algorithms developed to predict the effect of missense changes on protein structure and function are either unavailable or do not agree on the potential impact of this missense change (SIFT: "Deleterious"; PolyPhen-2: "Probably Damaging"; Align-GVGD: "Class C0").

NM_000057.4(BLM):c.2491G>A (p.Ala831Thr)

Gene: BLM (BLM RecQ like helicase; plus strand). Cytogenetic location: 15q26.1.
Variant type: single nucleotide variant.
Coding change: c.2491G>A on transcript NM_000057.4 (MANE Select); coding-DNA position 2491, G replaced by A.
Protein change: p.Ala831Thr; replaces alanine 831 with threonine.
Molecular consequence: missense variant.
Genome position (GRCh38, 1-based): chr15:90,769,522, G>A. VCF-style: chr15-90769522-G-A. GRCh37 (hg19) VCF-style: chr15-91312752-G-A.
Other names: c.2491G>A, p.Ala831Thr (NM_001287246.2, NM_001287247.2); c.1366G>A, p.Ala456Thr (NM_001287248.2); short protein forms A831T, A456T.
Identifiers: ClinVar variation 1521947 (VCV001521947.8), dbSNP rs2151166245, ClinGen allele CA393845433.